The following is an entry in ClinVar:

NM_000088.4(COL1A1):c.3917G>C (p.Ser1306Thr)

Gene: COL1A1 (collagen type I alpha 1 chain; minus strand). Cytogenetic location: 17q21.33.
Variant type: single nucleotide variant.
Coding change: c.3917G>C on transcript NM_000088.4 (MANE Select); coding-DNA position 3917, G replaced by C.
Protein change: p.Ser1306Thr; replaces serine 1306 with threonine.
Molecular consequence: missense variant.
Genome position (GRCh38, 1-based): chr17:50,186,405, C>G on the plus strand (G>C on the coding strand, the complement: COL1A1 is on the minus strand). VCF-style: chr17-50186405-C-G. GRCh37 (hg19) VCF-style: chr17-48263766-C-G.
Other names: short protein forms S1306T.
Identifiers: ClinVar variation 1358735 (VCV001358735.6), dbSNP rs754753032, ClinGen allele CA400193492.

ClinVar aggregate classification (germline): Uncertain significance (1 of 4 stars; one submission).

Conditions:
Osteogenesis imperfecta type I (OI1). Also called: OI, TYPE I; OSTEOGENESIS IMPERFECTA TARDA; OSTEOGENESIS IMPERFECTA WITH BLUE SCLERAE; Osteogenesis imperfecta type 1; Lobstein disease; Classic Non-deforming Osteogenesis Imperfecta with Blue Sclerae. Identifiers: Orphanet 216796, Orphanet 666, MedGen C0023931, MONDO:0008146, OMIM 166200. Disease mechanism: loss of function.

gnomAD v4.1: 2 of 1,614,202 alleles (0.00012%); highest among the groups gnomAD compares: Non-Finnish European, 0.00017%; no homozygotes.

Submission:

Labcorp Genetics (formerly Invitae), Labcorp
Classification: Uncertain significance for Osteogenesis imperfecta type I. Last evaluated: 2021-11-22. Review status: criteria provided, single submitter. Criteria: Invitae Variant Classification Sherloc (09022015). Collection method: clinical testing. Allele origin: germline.
Comment: In summary, the available evidence is currently insufficient to determine the role of this variant in disease. Therefore, it has been classified as a Variant of Uncertain Significance. Advanced modeling of protein sequence and biophysical properties (such as structural, functional, and spatial information, amino acid conservation, physicochemical variation, residue mobility, and thermodynamic stability) performed at Invitae indicates that this missense variant is not expected to disrupt COL1A1 protein function. This variant has not been reported in the literature in individuals affected with COL1A1-related conditions. This variant is not present in population databases (gnomAD no frequency). This sequence change replaces serine, which is neutral and polar, with threonine, which is neutral and polar, at codon 1306 of the COL1A1 protein (p.Ser1306Thr).